The following is an entry in ClinVar:

ClinVar aggregate classification (germline): Uncertain significance (1 of 4 stars; one submission).

Conditions:
Hereditary sensory and autonomic neuropathy type 7. Also called: Neuropathy, hereditary sensory and autonomic, type VII; HSAN VII. Identifiers: Orphanet 391397, MedGen C3809882, MONDO:0014244, OMIM 615548.
Familial episodic pain syndrome with predominantly lower limb involvement. Also called: Episodic pain syndrome, familial, 3. Identifiers: Orphanet 391384, Orphanet 391392, MedGen C3809899, MONDO:0014247, OMIM 615552.

Allele frequency attached by ClinVar (database versions not stated): gnomAD exomes below 0.00001 and 0.00001; ExAC 0.00001.
gnomAD v4.1: 7 of 1,614,050 alleles (0.00043%); highest among the groups gnomAD compares: Non-Finnish European, 0.00059%; no homozygotes.

Submission:

Labcorp Genetics (formerly Invitae), Labcorp
Classification: Uncertain significance for Familial episodic pain syndrome with predominantly lower limb involvement; Hereditary sensory and autonomic neuropathy type 7. Last evaluated: 2025-03-25. Review status: criteria provided, single submitter. Criteria: Invitae Variant Classification Sherloc (09022015). Collection method: clinical testing. Allele origin: germline.
Comment: This sequence change creates a premature translational stop signal (p.Arg639*) in the SCN11A gene. It is expected to result in an absent or disrupted protein product. However, the current clinical and genetic evidence is not sufficient to establish whether loss-of-function variants in SCN11A cause disease. This variant is present in population databases (rs770933380, gnomAD 0.002%). This variant has not been reported in the literature in individuals affected with SCN11A-related conditions. ClinVar contains an entry for this variant (Variation ID: 944308). Algorithms developed to predict the effect of sequence changes on RNA splicing suggest that this variant may disrupt the consensus splice site. In summary, the available evidence is currently insufficient to determine the role of this variant in disease. Therefore, it has been classified as a Variant of Uncertain Significance.

NM_001349253.2(SCN11A):c.1915C>T (p.Arg639Ter)

Gene: SCN11A (sodium voltage-gated channel alpha subunit 11; minus strand). Cytogenetic location: 3p22.2.
Variant type: single nucleotide variant.
Coding change: c.1915C>T on transcript NM_001349253.2 (MANE Select); coding-DNA position 1915, C replaced by T.
Protein change: p.Arg639Ter; replaces arginine 639 with a stop codon.
Molecular consequence: nonsense.
Genome position (GRCh38, 1-based): chr3:38,900,001, G>A on the plus strand (C>T on the coding strand, the complement: SCN11A is on the minus strand). VCF-style: chr3-38900001-G-A. GRCh37 (hg19) VCF-style: chr3-38941492-G-A.
Other names: c.1915C>T, p.Arg639Ter (NM_014139.3); short protein forms R639*.
Identifiers: ClinVar variation 944308 (VCV000944308.6), dbSNP rs770933380, ClinGen allele CA2322171.